The following is an entry in ClinVar:

ClinVar aggregate classification (germline): Uncertain significance (1 of 4 stars; one submission).

Allele frequency attached by ClinVar (database versions not stated): gnomAD exomes below 0.00001.
gnomAD v4.1: 11 of 1,613,846 alleles (0.00068%); highest among the groups gnomAD compares: Non-Finnish European, 0.00093%; no homozygotes.

Submission:

Labcorp Genetics (formerly Invitae), Labcorp
Classification: Uncertain significance. Last evaluated: 2018-10-09. Review status: criteria provided, single submitter. Criteria: Invitae Variant Classification Sherloc (09022015). Collection method: clinical testing. Allele origin: germline.
Comment: In summary, the available evidence is currently insufficient to determine the role of this variant in disease. Therefore, it has been classified as a Variant of Uncertain Significance. Algorithms developed to predict the effect of missense changes on protein structure and function (SIFT, PolyPhen-2, Align-GVGD) all suggest that this variant is likely to be tolerated, but these predictions have not been confirmed by published functional studies and their clinical significance is uncertain. This variant has not been reported in the literature in individuals with PARK2-related disease. This variant is not present in population databases (ExAC no frequency). This sequence change replaces glutamine with histidine at codon 100 of the PARK2 protein (p.Gln100His). The glutamine residue is weakly conserved and there is a small physicochemical difference between glutamine and histidine.

NM_004562.3(PRKN):c.300G>C (p.Gln100His)

Gene: PRKN (parkin RBR E3 ubiquitin protein ligase; minus strand). Cytogenetic location: 6q26.
Variant type: single nucleotide variant.
Coding change: c.300G>C on transcript NM_004562.3 (MANE Select); coding-DNA position 300, G replaced by C.
Protein change: p.Gln100His; replaces glutamine 100 with histidine.
Molecular consequence: missense variant. On other transcripts: intron variant (1).
Genome position (GRCh38, 1-based): chr6:162,262,637, C>G on the plus strand (G>C on the coding strand, the complement: PRKN is on the minus strand). VCF-style: chr6-162262637-C-G. GRCh37 (hg19) VCF-style: chr6-162683669-C-G.
Other names: c.300G>C, p.Gln100His (NM_013987.3); c.171+180673G>C (NM_013988.3); short protein forms Q100H.
Identifiers: ClinVar variation 648034 (VCV000648034.10), dbSNP rs1256316516, ClinGen allele CA366475954.